The following is an entry in ClinVar:

ClinVar aggregate classification (germline): Uncertain significance. Review status: criteria provided, multiple submitters, no conflicts (2 of 4 stars). 2 submissions from 2 submitters: Uncertain significance (2). Last evaluated 2024-11-09.

Conditions:
Inborn genetic diseases. Identifiers: MedGen C0950123, MeSH D030342.

Allele frequency attached by ClinVar (database versions not stated): ExAC 0.00002; gnomAD exomes 0.00002; gnomAD 0.00003; ESP Exome Variant Server 0.00008.
gnomAD v4.1: 28 of 1,614,008 alleles (0.0017%); highest among the groups gnomAD compares: African/African-American, 0.011%; no homozygotes.

Submissions (2):

Ambry Genetics
Classification: Uncertain significance for Inborn genetic diseases. Last evaluated: 2024-11-09. Review status: criteria provided, single submitter. Criteria: Ambry Variant Classification Scheme 2023. Collection method: clinical testing. Allele origin: germline.

Labcorp Genetics (formerly Invitae), Labcorp
Classification: Uncertain significance. Last evaluated: 2022-03-25. Review status: criteria provided, single submitter. Criteria: Invitae Variant Classification Sherloc (09022015). Collection method: clinical testing. Allele origin: germline.
Comment: This sequence change replaces threonine, which is neutral and polar, with methionine, which is neutral and non-polar, at codon 754 of the TRAPPC9 protein (p.Thr754Met). This variant is present in population databases (rs142456129, gnomAD 0.01%). This variant has not been reported in the literature in individuals affected with TRAPPC9-related conditions. Algorithms developed to predict the effect of missense changes on protein structure and function output the following: SIFT: "Not Available"; PolyPhen-2: "Benign"; Align-GVGD: "Not Available". The methionine amino acid residue is found in multiple mammalian species, which suggests that this missense change does not adversely affect protein function. In summary, the available evidence is currently insufficient to determine the role of this variant in disease. Therefore, it has been classified as a Variant of Uncertain Significance.

NM_001160372.4(TRAPPC9):c.1967C>T (p.Thr656Met)

Gene: TRAPPC9 (trafficking protein particle complex subunit 9; minus strand). Cytogenetic location: 8q24.3.
Variant type: single nucleotide variant.
Coding change: c.1967C>T on transcript NM_001160372.4 (MANE Select); coding-DNA position 1967, C replaced by T.
Protein change: p.Thr656Met; replaces threonine 656 with methionine.
Molecular consequence: missense variant. On other transcripts: non-coding transcript variant (1).
Genome position (GRCh38, 1-based): chr8:140,287,622, G>A on the plus strand (C>T on the coding strand, the complement: TRAPPC9 is on the minus strand). VCF-style: chr8-140287622-G-A. GRCh37 (hg19) VCF-style: chr8-141297721-G-A.
Other names: c.1940C>T, p.Thr647Met (NM_001321646.2); c.1988C>T, p.Thr663Met (NM_001374682.1); c.1967C>T, p.Thr656Met (NM_001374683.1, NM_031466.8); c.1823C>T, p.Thr608Met (NM_001374684.1); c.2261C>T (NM_031466.5); short protein forms T647M, T663M, T608M, T656M.
Identifiers: ClinVar variation 1910072 (VCV001910072.3), dbSNP rs142456129, ClinGen allele CA4893256.